The following is an entry in ClinVar:

NM_000535.7(PMS2):c.2446-1G>A

Gene: PMS2 (PMS1 homolog 2, mismatch repair system component; minus strand). Cytogenetic location: 7p22.1.
Variant type: single nucleotide variant.
Coding change: c.2446-1G>A on transcript NM_000535.7 (MANE Select); the canonical splice acceptor site of the intron before coding-DNA position 2446, G replaced by A.
Molecular consequence: splice acceptor variant.
Genome position (GRCh38, 1-based): chr7:5,973,543, C>T on the plus strand (G>A on the coding strand, the complement: PMS2 is on the minus strand). VCF-style: chr7-5973543-C-T. GRCh37 (hg19) VCF-style: chr7-6013174-C-T.
Other names: c.2128-1G>A (NM_001322008.2, NM_001406883.1, NM_001322007.2); c.2137-1G>A (NM_001406881.1, NM_001406879.1, NM_001322015.2 and 4 more transcripts); c.2041-1G>A (NM_001406895.1, NM_001322004.2, NM_001406889.1 and 11 more transcripts); c.1675-1G>A (NM_001406911.1); c.1885-1G>A (NM_001322010.2, NM_001406906.1, NM_001406907.1); c.1972-1G>A (NM_001406902.1, NM_001406901.1); c.1933-1G>A (NM_001406904.1, NM_001406905.1); c.1873-1G>A (NM_001322013.2, NM_001406908.1, NM_001406909.1); and 20 more.
Identifiers: ClinVar variation 821292 (VCV000821292.6), dbSNP rs774583397, ClinGen allele CA366735046.

ClinVar aggregate classification (germline): Pathogenic/Likely pathogenic. Review status: criteria provided, multiple submitters, no conflicts (2 of 4 stars). 2 submissions from 2 submitters: Pathogenic (1); Likely pathogenic (1). Last evaluated 2023-07-01.

Conditions:
Hereditary cancer-predisposing syndrome. Also called: Neoplastic Syndromes, Hereditary; Tumor predisposition; Hereditary Cancer Syndrome; Hereditary neoplastic syndrome. Identifiers: Orphanet 140162, MedGen C0027672, MeSH D009386, MONDO:0015356.

Submissions (2):

Ambry Genetics
Classification: Pathogenic for Hereditary cancer-predisposing syndrome. Last evaluated: 2023-07-01. Review status: criteria provided, single submitter. Criteria: Ambry Variant Classification Scheme 2023. Collection method: clinical testing. Allele origin: germline.
Comment: The c.2446-1G>A intronic variant results from a G to A substitution one nucleotide upstream from coding exon 15 of the PMS2 gene. In addition to the clinical data presented in the literature, alterations that disrupt the canonical splice site are expected to cause aberrant splicing, resulting in an abnormal protein or a transcript. As such, this alteration is classified as a disease-causing mutation.

GeneDx
Classification: Likely pathogenic. Last evaluated: 2022-06-25. Review status: criteria provided, single submitter. Criteria: GeneDx Variant Classification Process June 2021. Collection method: clinical testing. Allele origin: germline. Affected: yes.
Comment: Canonical splice site variant expected to result in aberrant splicing, although in the absence of functional evidence the actual effect of this sequence change is unknown; Not observed at significant frequency in large population cohorts (gnomAD); This variant is associated with the following publications: (PMID: 27589204)

Literature cited by the submitters: PubMed 27589204 (cited by Ambry Genetics).